The following is an entry in ClinVar:

NM_000202.8(IDS):c.343A>T (p.Asn115Tyr)

Gene: IDS (iduronate 2-sulfatase; minus strand). Cytogenetic location: Xq28.
Variant type: single nucleotide variant.
Coding change: c.343A>T on transcript NM_000202.8 (MANE Select); coding-DNA position 343, A replaced by T.
Protein change: p.Asn115Tyr; replaces asparagine 115 with tyrosine.
Molecular consequence: missense variant. On other transcripts: non-coding transcript variant (1).
Genome position (GRCh38, 1-based): chrX:149,503,387, T>A on the plus strand (A>T on the coding strand, the complement: IDS is on the minus strand). VCF-style: chrX-149503387-T-A. GRCh37 (hg19) VCF-style: chrX-148584917-T-A.
Other names: c.73A>T, p.Asn25Tyr (NM_001166550.4); c.343A>T, p.Asn115Tyr (NM_006123.5); short protein forms N115Y, N25Y.
Identifiers: ClinVar variation 3255678 (VCV003255678.2).

ClinVar aggregate classification (germline): Pathogenic (1 of 4 stars; one submission).

Conditions:
Mucopolysaccharidosis, MPS-II (MPS2). Also called: Hunter Syndrome; IDURONATE 2-SULFATASE DEFICIENCY; Mucopolysaccharidosis Type II; Mucopolysaccharidosis type 2; Attenuated MPS (subtype; formerly known as mild MPS II); Severe MPS II. Identifiers: Orphanet 580, Orphanet 79388, MedGen C0026705, MONDO:0010674, OMIM 309900.

Submission:

Laboratory of Diagnosis and Therapy of Lysosomal Disorders, University of Padova
Classification: Pathogenic for Mucopolysaccharidosis, MPS-II. Last evaluated: 2024-06-07. Review status: criteria provided, single submitter. Criteria: ACMG Guidelines, 2015. Collection method: literature only. Allele origin: germline. Affected: yes. Observed: 1 variant allele.
Comment: Located in a mutational hot spot and/or critical functional domain (PM1_Moderate), Absent from controls (or at low frequency) in gnomAD database (PM2_Moderate), Missense variant in a gene with a low rate of benign missense variation (PP2_Supporting), Multiple lines of computational evidence support a deleterious effect (PP3_Supporting), Patient’s phenotype or family history highly specific for the disease (PP4_Strong)

Classification method: ACMG Guidelines [PMID:25741868] with modifications

Literature cited by the submitters: PubMed 9875019.